The following is an entry in ClinVar:

NM_007129.5(ZIC2):c.1310C>T (p.Pro437Leu)

Gene: ZIC2 (Zic family zinc finger 2; plus strand). Cytogenetic location: 13q32.3.
Variant type: single nucleotide variant.
Coding change: c.1310C>T on transcript NM_007129.5 (MANE Select); coding-DNA position 1310, C replaced by T.
Protein change: p.Pro437Leu; replaces proline 437 with leucine.
Molecular consequence: missense variant.
Genome position (GRCh38, 1-based): chr13:99,985,393, C>T. VCF-style: chr13-99985393-C-T. GRCh37 (hg19) VCF-style: chr13-100637647-C-T.
Other names: c.1310C>T (NM_007129.3); short protein forms P437L.
Identifiers: ClinVar variation 2808240 (VCV002808240.4), dbSNP rs2501550521, ClinGen allele CA388639308.

ClinVar aggregate classification (germline): Uncertain significance. Review status: criteria provided, multiple submitters, no conflicts (2 of 4 stars). 2 submissions from 2 submitters: Uncertain significance (2). Last evaluated 2024-02-26.

Conditions:
Holoprosencephaly 5 (HPE5). Identifiers: Orphanet 2162, MedGen C1864827, MONDO:0012322, OMIM 609637.
Inborn genetic diseases. Identifiers: MedGen C0950123, MeSH D030342.

Allele frequency attached by ClinVar (database versions not stated): gnomAD exomes below 0.00001.
gnomAD v4.1: 1 of 1,597,062 alleles (0.000063%); highest among the groups gnomAD compares: East Asian, 0.0022%; no homozygotes.

Submissions (2):

Labcorp Genetics (formerly Invitae), Labcorp
Classification: Uncertain significance for Holoprosencephaly 5. Last evaluated: 2024-02-26. Review status: criteria provided, single submitter. Criteria: Invitae Variant Classification Sherloc (09022015). Collection method: clinical testing. Allele origin: germline.
Comment: This sequence change replaces proline, which is neutral and non-polar, with leucine, which is neutral and non-polar, at codon 437 of the ZIC2 protein (p.Pro437Leu). This variant is not present in population databases (gnomAD no frequency). This variant has not been reported in the literature in individuals affected with ZIC2-related conditions. Advanced modeling of protein sequence and biophysical properties (such as structural, functional, and spatial information, amino acid conservation, physicochemical variation, residue mobility, and thermodynamic stability) performed at Invitae indicates that this missense variant is not expected to disrupt ZIC2 protein function with a negative predictive value of 80%. In summary, the available evidence is currently insufficient to determine the role of this variant in disease. Therefore, it has been classified as a Variant of Uncertain Significance.

Ambry Genetics
Classification: Uncertain significance for Inborn genetic diseases. Last evaluated: 2023-09-20. Review status: criteria provided, single submitter. Criteria: Ambry Variant Classification Scheme 2023. Collection method: clinical testing. Allele origin: germline.